The following is an entry in ClinVar:

ClinVar aggregate classification (germline): Uncertain significance (1 of 4 stars; one submission).

Conditions:
MEGF8-related Carpenter syndrome. Also called: Carpenter syndrome 2. Identifiers: Orphanet 65759, MedGen C3554247, MONDO:0013998, OMIM 614976.

Submission:

Kasturba Medical College, Manipal, Kasturba Medical College, Manipal, Manipal Academy of Higher Education, Manipal, India
Classification: Uncertain significance for MEGF8-related Carpenter syndrome. Review status: criteria provided, single submitter. Criteria: ACMG Guidelines, 2015. Collection method: clinical testing. Allele origin: unknown. Inheritance: Autosomal recessive inheritance. Affected: yes. Observed: 1 homozygote.
Comment: In-silico prediction tool (SpliceAI) is consistent in predicting this variant to cause aberrant splicing which may lead to either the formation of a truncating protein product or the transcript may undergo nonsense-mediated MRNA decay. Biallelic loss-of-function variants in MEGF8 has been observed in individuals with Carpenter syndrome 2.

NM_001271938.2(MEGF8):c.828G>A (p.Pro276=)

Gene: MEGF8 (multiple EGF like domains 8; plus strand). Cytogenetic location: 19q13.2.
Variant type: single nucleotide variant.
Coding change: c.828G>A on transcript NM_001271938.2 (MANE Select); coding-DNA position 828, G replaced by A.
Protein change: p.Pro276=; no amino-acid change (proline 276 retained).
Molecular consequence: synonymous variant.
Genome position (GRCh38, 1-based): chr19:42,335,385, G>A. VCF-style: chr19-42335385-G-A. GRCh37 (hg19) VCF-style: chr19-42839537-G-A.
Other names: c.828G>A, p.Pro276= (NM_001410.3).
Identifiers: ClinVar variation 3338639 (VCV003338639.2).